The following is an entry in ClinVar:

NM_006767.4(LZTR1):c.792-5C>A

Gene: LZTR1 (leucine zipper like post translational regulator 1; plus strand). Cytogenetic location: 22q11.21.
Variant type: single nucleotide variant.
Coding change: c.792-5C>A on transcript NM_006767.4 (MANE Select); 5 bases into the intron before coding-DNA position 792, C replaced by A.
Molecular consequence: intron variant.
Genome position (GRCh38, 1-based): chr22:20,991,623, C>A. VCF-style: chr22-20991623-C-A. GRCh37 (hg19) VCF-style: chr22-21345912-C-A.
Identifiers: ClinVar variation 4101858 (VCV004101858.1).

ClinVar aggregate classification (germline): Uncertain significance (1 of 4 stars; one submission).

Conditions:
Cardiovascular phenotype. Identifiers: MedGen CN230736.
Hereditary cancer-predisposing syndrome. Also called: Tumor predisposition; Neoplastic Syndromes, Hereditary; Hereditary neoplastic syndrome; Hereditary Cancer Syndrome. Identifiers: Orphanet 140162, MedGen C0027672, MeSH D009386, MONDO:0015356.

Submission:

Ambry Genetics
Classification: Uncertain significance for Cardiovascular phenotype; Hereditary cancer-predisposing syndrome. Last evaluated: 2025-06-19. Review status: criteria provided, single submitter. Criteria: Ambry Variant Classification Scheme 2023. Collection method: clinical testing. Allele origin: germline.
Comment: The c.792-5C>A intronic variant results from a C to A substitution 5 nucleotides upstream from coding exon 9 in the LZTR1 gene. This nucleotide position is well conserved in available vertebrate species. In silico splice site analysis predicts that this alteration will not have any significant effect on splicing. Based on the available evidence, the clinical significance of this variant remains unclear.